The following is an entry in ClinVar:

ClinVar aggregate classification (germline): Uncertain significance (1 of 4 stars; one submission).

Submission:

Labcorp Genetics (formerly Invitae), Labcorp
Classification: Uncertain significance. Last evaluated: 2021-03-25. Review status: criteria provided, single submitter. Criteria: Invitae Variant Classification Sherloc (09022015). Collection method: clinical testing. Allele origin: germline.
Comment: In summary, the available evidence is currently insufficient to determine the role of this variant in disease. Therefore, it has been classified as a Variant of Uncertain Significance. Algorithms developed to predict the effect of missense changes on protein structure and function (SIFT, PolyPhen-2, Align-GVGD) all suggest that this variant is likely to be tolerated, but these predictions have not been confirmed by published functional studies and their clinical significance is uncertain. This variant has not been reported in the literature in individuals with SCLT1-related conditions. This variant is not present in population databases (ExAC no frequency). This sequence change replaces isoleucine with threonine at codon 295 of the SCLT1 protein (p.Ile295Thr). The isoleucine residue is moderately conserved and there is a moderate physicochemical difference between isoleucine and threonine.

NM_144643.4(SCLT1):c.884T>C (p.Ile295Thr)

Gene: SCLT1 (sodium channel and clathrin linker 1; minus strand). Cytogenetic location: 4q28.2.
Variant type: single nucleotide variant.
Coding change: c.884T>C on transcript NM_144643.4 (MANE Select); coding-DNA position 884, T replaced by C.
Protein change: p.Ile295Thr; replaces isoleucine 295 with threonine.
Molecular consequence: missense variant.
Genome position (GRCh38, 1-based): chr4:128,959,763, A>G on the plus strand (T>C on the coding strand, the complement: SCLT1 is on the minus strand). VCF-style: chr4-128959763-A-G. GRCh37 (hg19) VCF-style: chr4-129880918-A-G.
Other names: short protein forms I295T.
Identifiers: ClinVar variation 1480668 (VCV001480668.8), dbSNP rs2126013980, ClinGen allele CA358188940.